The following is an entry in ClinVar:

NM_004817.4(TJP2):c.2991+8G>A

Gene: TJP2 (tight junction protein 2; plus strand). Cytogenetic location: 9q21.11.
Variant type: single nucleotide variant.
Coding change: c.2991+8G>A on transcript NM_004817.4 (MANE Select); 8 bases into the intron after coding-DNA position 2991, G replaced by A.
Molecular consequence: intron variant.
Genome position (GRCh38, 1-based): chr9:69,249,493, G>A. VCF-style: chr9-69249493-G-A. GRCh37 (hg19) VCF-style: chr9-71864409-G-A.
Other names: c.2991+8G>A (LRG_1201t1); c.2811+1269G>A (NM_001170414.2); c.2916+8G>A (NM_001369870.1); c.2922+8G>A (NM_001369871.1); c.2880+1269G>A (NM_201629.3, NM_001369872.1); c.2668-1542G>A (NM_001369873.1); c.2892+1269G>A (NM_001170415.1, NM_001369874.1); c.3084+8G>A (NM_001170416.2); and 1 more.
Identifiers: ClinVar variation 3713435 (VCV003713435.3), dbSNP rs371110925.
Genomic context (GRCh38, chr9:69,249,493, plus strand): 5'-ATCAACTTAGGGACAATAGCCCGCCCCCAGCATTCAAGCCAGAGCCGCCCAAGGTACGTG[G>A]CTGGGAAGCCCAGGATGGGAAGGAAGAGGAAGCAGATGCCTCTGAAGCCTCCTGGACGGC-3'

ClinVar aggregate classification (germline): Likely benign. Review status: criteria provided, multiple submitters, no conflicts (2 of 4 stars). 2 submissions from 2 submitters: Likely benign (2). Last evaluated 2026-06-30.

Conditions:
TJP2-related disorder. Also called: TJP2-related condition.

Allele frequency attached by ClinVar (database versions not stated): TOPMed 0.00002; gnomAD 0.00003; ESP Exome Variant Server 0.00008; ExAC 0.00010.
gnomAD v4.1: 30 of 1,596,864 alleles (0.0019%); highest among the groups gnomAD compares: Non-Finnish European, 0.000085%; no homozygotes.

Submissions (2):

PreventionGenetics, part of Exact Sciences
Classification: Likely benign for TJP2-related condition. Last evaluated: 2026-06-30. Review status: criteria provided, single submitter. Criteria: ACMG Guidelines, 2015. Collection method: clinical testing. Allele origin: germline.
Comment: This variant is classified as likely benign based on ACMG/AMP sequence variant interpretation guidelines (Richards et al. 2015 PMID: 25741868, with internal and published modifications).

Labcorp Genetics (formerly Invitae), Labcorp
Classification: Likely benign. Last evaluated: 2024-12-30. Review status: criteria provided, single submitter. Criteria: Invitae Variant Classification Sherloc (09022015). Collection method: clinical testing. Allele origin: germline.